The following is an entry in ClinVar:

ClinVar aggregate classification (germline): Likely benign. Review status: criteria provided, multiple submitters, no conflicts (2 of 4 stars). 2 submissions from 2 submitters: Likely benign (2). Last evaluated 2018-06-14.

Allele frequency attached by ClinVar (database versions not stated): gnomAD exomes 0.00199 and 0.00279; ExAC 0.00423; 1000 Genomes Project 0.00479; 1000 Genomes Project 30x 0.00609; gnomAD 0.00654 and 0.00706; ESP Exome Variant Server 0.00659; TOPMed 0.00770.
gnomAD v4.1: 3,899 of 1,543,314 alleles (0.25%); highest among the groups gnomAD compares: African/African-American, 1.7%; 18 homozygotes.

Submissions (2):

GeneDx
Classification: Likely benign. Last evaluated: 2018-06-14. Review status: criteria provided, single submitter. Criteria: GeneDx Variant Classification (06012015). Collection method: clinical testing. Allele origin: germline. Affected: yes.
Comment: This variant is considered likely benign or benign based on one or more of the following criteria: it is a conservative change, it occurs at a poorly conserved position in the protein, it is predicted to be benign by multiple in silico algorithms, and/or has population frequency not consistent with disease.

Breakthrough Genomics
Classification: Likely benign. Review status: criteria provided, single submitter. Criteria: ACMG Guidelines, 2015. Collection method: not provided. Allele origin: germline. Inheritance: Autosomal dominant inheritance. Affected: yes.

NM_000093.5(COL5A1):c.3853-50G>A

Gene: COL5A1 (collagen type V alpha 1 chain; plus strand). Cytogenetic location: 9q34.3.
Variant type: single nucleotide variant.
Coding change: c.3853-50G>A on transcript NM_000093.5 (MANE Select); 50 bases into the intron before coding-DNA position 3853, G replaced by A.
Molecular consequence: intron variant.
Genome position (GRCh38, 1-based): chr9:134,813,933, G>A. VCF-style: chr9-134813933-G-A. GRCh37 (hg19) VCF-style: chr9-137705779-G-A.
Other names: c.3853-50G>A (NM_001278074.1).
Identifiers: ClinVar variation 676023 (VCV000676023.2), dbSNP rs7849016, ClinGen allele CA5320058.
Genomic context (GRCh38, chr9:134,813,933, plus strand): 5'-TGCCCAGGGGCAGGCAGACAGCAGGCAGGATTTGGCAAATGCTTGAAACCGTAGCACTGC[G>A]TTCATCGCGGTGCTCACCGCTGCCATAACCACATGCACTGTCTCCCTAGGGCGAGCCTGG-3'